The following is an entry in ClinVar:

ClinVar aggregate classification (germline): Likely benign. Review status: criteria provided, single submitter (1 of 4 stars). 2 submissions from 2 submitters: Likely benign (1). 1 of the submissions does not count toward it. Last evaluated 2024-08-30.

Conditions:
SFTPA2-related disorder. Also called: SFTPA2-related condition.

Allele frequency attached by ClinVar (database versions not stated): gnomAD 0.00015; TOPMed 0.00021.
gnomAD v4.1: 297 of 1,613,678 alleles (0.018%); highest among the groups gnomAD compares: East Asian, 0.11%; 1 homozygote.

Submissions (2):

Blueprint Genetics
Classification: Likely benign. Last evaluated: 2024-08-30. Review status: criteria provided, single submitter. Criteria: ACMG Guidelines, 2015. Collection method: clinical testing. Allele origin: germline.

PreventionGenetics, part of Exact Sciences
Classification: Likely benign for SFTPA2-related condition. Last evaluated: 2019-08-29. Review status: no assertion criteria provided. Collection method: clinical testing. Allele origin: germline. Not counted in ClinVar's aggregate classification.
Comment: This variant is classified as likely benign based on ACMG/AMP sequence variant interpretation guidelines (Richards et al. 2015 PMID: 25741868, with internal and published modifications).

NM_001098668.4(SFTPA2):c.217A>G (p.Asn73Asp)

Gene: SFTPA2 (surfactant protein A2; minus strand). Cytogenetic location: 10q22.3.
Variant type: single nucleotide variant.
Coding change: c.217A>G on transcript NM_001098668.4 (MANE Select); coding-DNA position 217, A replaced by G.
Protein change: p.Asn73Asp; replaces asparagine 73 with aspartic acid.
Molecular consequence: missense variant.
Genome position (GRCh38, 1-based): chr10:79,558,961, T>C on the plus strand (A>G on the coding strand, the complement: SFTPA2 is on the minus strand). VCF-style: chr10-79558961-T-C. GRCh37 (hg19) VCF-style: chr10-81318717-T-C.
Other names: c.217A>G, p.Asn73Asp (NM_001320813.2); c.247A>G, p.Asn83Asp (NM_001320814.1); short protein forms N73D, N83D.
Identifiers: ClinVar variation 3052664 (VCV003052664.3), dbSNP rs200876030, ClinGen allele CA5574150.
Genomic context (GRCh38, chr10:79,558,961, plus strand): 5'-CGCCAGCCTCCCCCTTCTCTCCACGCTCTCCAGGGACACCAGGGGCTCCAGGCAGCCCAT[T>C]ATTCCCAGGAGGACATGGTGTTTCTCCAGGCGGACCCATGGGGCCTGCAGAGAAAAGAGA-3'
Protein context (NP_001092138.1, residues 63-83): PGETPCPPGN[Asn73Asp]GLPGAPGVPG